The following is an entry in ClinVar:

NM_000642.3(AGL):c.959-61_959-60insTGACAGTTATAATCTCTTTGTAGATATTTGCATTTAAGGTATCATCTTTTCTTTCTTTTAGAAAATAG

Gene: AGL (amylo-alpha-1, 6-glucosidase, 4-alpha-glucanotransferase; plus strand). Cytogenetic location: 1p21.2.
Variant type: Insertion.
Coding change: c.959-61_959-60insTGACAGTTATAATCTCTTTGTAGATATTTGCATTTAAGGTATCATCTTTTCTTTCTTTTAGAAAATAG on transcript NM_000642.3 (MANE Select); 61 bases into the intron before coding-DNA position 959 through 60 bases into the intron before coding-DNA position 959, TGACAGTTATAATCTCTTTGTAGATATTTGCATTTAAGGTATCATCTTTTCTTTCTTTTAGAAAATAG inserted.
Molecular consequence: intron variant.
Genome position: GRCh38: chr1:99,874,626-99,874,627. GRCh37 (hg19): chr1:100,340,182-100,340,183.
Other names: c.959-61_959-60insTGACAGTTATAATCTCTTTGTAGATATTTGCATTTAAGGTATCATCTTTTCTTTCTTTTAGAAAATAG (NM_000643.3, NM_000644.3, NM_001425326.1 and 3 more transcripts); c.911-61_911-60insTGACAGTTATAATCTCTTTGTAGATATTTGCATTTAAGGTATCATCTTTTCTTTCTTTTAGAAAATAG (NM_000646.3); c.755-61_755-60insTGACAGTTATAATCTCTTTGTAGATATTTGCATTTAAGGTATCATCTTTTCTTTCTTTTAGAAAATAG (NM_001425328.1, NM_001425329.1); c.581-61_581-60insTGACAGTTATAATCTCTTTGTAGATATTTGCATTTAAGGTATCATCTTTTCTTTCTTTTAGAAAATAG (NM_001425332.1).
Identifiers: ClinVar variation 420596 (VCV000420596.1), dbSNP rs1064794576, ClinGen allele CA16617218.

ClinVar aggregate classification (germline): Likely benign (1 of 4 stars; one submission).

Submission:

GeneDx
Classification: Likely benign. Last evaluated: 2017-07-18. Review status: criteria provided, single submitter. Criteria: GeneDx Variant Classification (06012015). Collection method: clinical testing. Allele origin: germline. Affected: yes.
Comment: This variant is considered likely benign or benign based on one or more of the following criteria: it is a conservative change, it occurs at a poorly conserved position in the protein, it is predicted to be benign by multiple in silico algorithms, and/or has population frequency not consistent with disease.